The following is an entry in ClinVar:

NM_001142864.4(PIEZO1):c.4041G>A (p.Leu1347=)

Gene: PIEZO1 (piezo type mechanosensitive ion channel component 1 (Er blood group); minus strand). Cytogenetic location: 16q24.3.
Variant type: single nucleotide variant.
Coding change: c.4041G>A on transcript NM_001142864.4 (MANE Select); coding-DNA position 4041, G replaced by A.
Protein change: p.Leu1347=; no amino-acid change (leucine 1347 retained).
Molecular consequence: synonymous variant.
Genome position (GRCh38, 1-based): chr16:88,725,612, C>T on the plus strand (G>A on the coding strand, the complement: PIEZO1 is on the minus strand). VCF-style: chr16-88725612-C-T. GRCh37 (hg19) VCF-style: chr16-88792020-C-T.
Other names: p.Leu1347=; c.2583G>A, p.Leu861= (NM_014745.1).
Identifiers: ClinVar variation 2428529 (VCV002428529.4), dbSNP rs376122435, ClinGen allele CA8232273.

ClinVar aggregate classification (germline): Likely benign. Review status: criteria provided, multiple submitters, no conflicts (2 of 4 stars). 2 submissions from 2 submitters: Likely benign (2). Last evaluated 2025-11-05.

Allele frequency attached by ClinVar (database versions not stated): ESP Exome Variant Server 0.00022; ExAC 0.00009.
gnomAD v4.1: 66 of 1,549,104 alleles (0.0043%); highest among the groups gnomAD compares: African/African-American, 0.081%; no homozygotes.

Submissions (2):

Mayo Clinic Laboratories, Mayo Clinic
Classification: Likely benign. Last evaluated: 2025-11-05. Review status: criteria provided, single submitter. Criteria: ACMG Guidelines, 2015. Collection method: clinical testing. Allele origin: germline. Observed: 1 variant allele.
Comment: BP4, BP7, PM2_supporting

ARUP Laboratories, Molecular Genetics and Genomics, ARUP Laboratories
Classification: Likely benign. Last evaluated: 2022-05-04. Review status: criteria provided, single submitter. Criteria: ARUP Molecular Germline Variant Investigation Process 2021. Collection method: clinical testing. Allele origin: germline.